The following is an entry in ClinVar:

NM_022916.6(VPS33A):c.1676C>T (p.Ala559Val)

Gene: VPS33A (VPS33A core subunit of CORVET and HOPS complexes; minus strand). Cytogenetic location: 12q24.31.
Variant type: single nucleotide variant.
Coding change: c.1676C>T on transcript NM_022916.6 (MANE Select); coding-DNA position 1676, C replaced by T.
Protein change: p.Ala559Val; replaces alanine 559 with valine.
Molecular consequence: missense variant.
Genome position (GRCh38, 1-based): chr12:122,232,361, G>A on the plus strand (C>T on the coding strand, the complement: VPS33A is on the minus strand). VCF-style: chr12-122232361-G-A. GRCh37 (hg19) VCF-style: chr12-122716908-G-A.
Other names: c.1643C>T, p.Ala548Val (NM_001351018.2); c.1628C>T, p.Ala543Val (NM_001351019.2); c.1355C>T, p.Ala452Val (NM_001351020.2); short protein forms A543V, A548V, A559V, A452V.
Identifiers: ClinVar variation 1967062 (VCV001967062.2), dbSNP rs2547153460, ClinGen allele CA387048782.
Genomic context (GRCh38, chr12:122,232,361, plus strand): 5'-GTGGTGGCAATGACATATTCTGTACCTCCATCTTCCAACTGGGAGAGAAATCGCAGGGCA[G>A]CAATTTCAGCGAAGGTTACGCCCCCAAGGAAAAATATCAGAGTCACTCGGTTTTCTCCCG-3'
Protein context (NP_075067.2, residues 549-569): FLGGVTFAEI[Ala559Val]ALRFLSQLED

ClinVar aggregate classification (germline): Uncertain significance (1 of 4 stars; one submission).

Submission:

Labcorp Genetics (formerly Invitae), Labcorp
Classification: Uncertain significance. Last evaluated: 2022-08-19. Review status: criteria provided, single submitter. Criteria: Invitae Variant Classification Sherloc (09022015). Collection method: clinical testing. Allele origin: germline.
Comment: This sequence change replaces alanine, which is neutral and non-polar, with valine, which is neutral and non-polar, at codon 559 of the VPS33A protein (p.Ala559Val). This variant is not present in population databases (gnomAD no frequency). This variant has not been reported in the literature in individuals affected with VPS33A-related conditions. Algorithms developed to predict the effect of missense changes on protein structure and function are either unavailable or do not agree on the potential impact of this missense change (SIFT: "Deleterious"; PolyPhen-2: "Possibly Damaging"; Align-GVGD: "Class C0"). In summary, the available evidence is currently insufficient to determine the role of this variant in disease. Therefore, it has been classified as a Variant of Uncertain Significance.